The following is an entry in ClinVar:

NM_000090.4(COL3A1):c.3658T>A (p.Tyr1220Asn)

Gene: COL3A1 (collagen type III alpha 1 chain; plus strand). Cytogenetic location: 2q32.2.
Variant type: single nucleotide variant.
Coding change: c.3658T>A on transcript NM_000090.4 (MANE Select); coding-DNA position 3658, T replaced by A.
Protein change: p.Tyr1220Asn; replaces tyrosine 1220 with asparagine.
Molecular consequence: missense variant.
Genome position (GRCh38, 1-based): chr2:189,009,056, T>A. VCF-style: chr2-189009056-T-A. GRCh37 (hg19) VCF-style: chr2-189873782-T-A.
Other names: short protein forms Y1220N.
Identifiers: ClinVar variation 920423 (VCV000920423.5), dbSNP rs1688661231, ClinGen allele CA349846924.

ClinVar aggregate classification (germline): Uncertain significance (1 of 4 stars; one submission).

Conditions:
Familial thoracic aortic aneurysm and aortic dissection (TAAD). Also called: Thoracic aortic aneurysms and dissections. Identifiers: Orphanet 91387, MedGen C4707243, MONDO:0019625.

Submission:

Color Diagnostics, LLC DBA Color Health
Classification: Uncertain significance for Familial thoracic aortic aneurysm and aortic dissection. Last evaluated: 2023-12-04. Review status: criteria provided, single submitter. Criteria: ACMG Guidelines, 2015. Collection method: clinical testing. Allele origin: germline.
Comment: Variant of Uncertain Significance due to insufficient evidence: This missense variant replaces tyrosine with asparagine at codon 1220 of the COL3A1 protein. Computational prediction tools and conservation analyses are inconclusive regarding the impact of this variant on the protein function. Computational splicing tools suggest that this variant may not impact RNA splicing. To our knowledge, functional assays have not been performed for this variant nor has this variant been reported in individuals affected with cardiovascular disorders in the literature. This variant is rare in the general population and has been identified in 0/277264 chromosomes by the Genome Aggregation Database (gnomAD). Available evidence is insufficient to determine the role of this variant in disease conclusively.